The following is an entry in ClinVar:

ClinVar aggregate classification (germline): Uncertain significance. Review status: criteria provided, multiple submitters, no conflicts (2 of 4 stars). 3 submissions from 3 submitters: Uncertain significance (3). Last evaluated 2025-07-31.

Conditions:
Inborn genetic diseases. Identifiers: MedGen C0950123, MeSH D030342.

Allele frequency attached by ClinVar (database versions not stated): gnomAD 0.00012; ESP Exome Variant Server 0.00016; ExAC 0.00017; TOPMed 0.00019.
gnomAD v4.1: 205 of 1,594,428 alleles (0.013%); highest among the groups gnomAD compares: Admixed American, 0.051%; no homozygotes.

Submissions (3):

Ambry Genetics
Classification: Uncertain significance for Inborn genetic diseases. Last evaluated: 2025-07-31. Review status: criteria provided, single submitter. Criteria: Ambry Variant Classification Scheme 2023. Collection method: clinical testing. Allele origin: germline.

Labcorp Genetics (formerly Invitae), Labcorp
Classification: Uncertain significance. Last evaluated: 2024-08-05. Review status: criteria provided, single submitter. Criteria: Invitae Variant Classification Sherloc (09022015). Collection method: clinical testing. Allele origin: germline.
Comment: This sequence change replaces alanine, which is neutral and non-polar, with threonine, which is neutral and polar, at codon 599 of the TBCD protein (p.Ala599Thr). This variant is present in population databases (rs377718092, gnomAD 0.05%). This variant has not been reported in the literature in individuals affected with TBCD-related conditions. ClinVar contains an entry for this variant (Variation ID: 2046280). Advanced modeling of protein sequence and biophysical properties (such as structural, functional, and spatial information, amino acid conservation, physicochemical variation, residue mobility, and thermodynamic stability) performed at Invitae indicates that this missense variant is not expected to disrupt TBCD protein function with a negative predictive value of 80%. In summary, the available evidence is currently insufficient to determine the role of this variant in disease. Therefore, it has been classified as a Variant of Uncertain Significance.

GeneDx
Classification: Uncertain significance. Last evaluated: 2024-01-20. Review status: criteria provided, single submitter. Criteria: GeneDx Variant Classification Process June 2021. Collection method: clinical testing. Allele origin: germline. Affected: yes.
Comment: In silico analysis supports that this missense variant does not alter protein structure/function; Has not been previously published as pathogenic or benign to our knowledge

NM_005993.5(TBCD):c.1795G>A (p.Ala599Thr)

Gene: TBCD (tubulin folding cofactor D). Cytogenetic location: 17q25.3.
Variant type: single nucleotide variant.
Coding change: c.1795G>A on transcript NM_005993.5 (MANE Select); coding-DNA position 1795, G replaced by A.
Protein change: p.Ala599Thr; replaces alanine 599 with threonine.
Molecular consequence: missense variant.
Genome position (GRCh38, 1-based): chr17:82,903,469, G>A. VCF-style: chr17-82903469-G-A. GRCh37 (hg19) VCF-style: chr17-80861345-G-A.
Other names: c.1795G>A (NM_005993.4); c.1744G>A, p.Ala582Thr (NM_001411101.1); c.1714G>A, p.Ala572Thr (NM_001411102.1); short protein forms A572T, A599T, A582T.
Identifiers: ClinVar variation 2046280 (VCV002046280.4), dbSNP rs377718092, ClinGen allele CA8862755.